The following is an entry in ClinVar:

ClinVar aggregate classification (germline): Conflicting classifications of pathogenicity. Review status: criteria provided, conflicting classifications (1 of 4 stars). 3 submissions from 3 submitters: Uncertain significance (1); Likely benign (1). 1 of the submissions does not count toward it. Last evaluated 2023-02-08.

Conditions:
Permanent neonatal diabetes mellitus (PNDM). Identifiers: Orphanet 99885, MedGen C1833104, MONDO:0100164, MONDO:0011643. Disease mechanism: gain of function.
Maturity-onset diabetes of the young (MODY). Also called: Maturity onset diabetes mellitus in young. Identifiers: Orphanet 552, MedGen C0342276, MONDO:0018911, HP:0004904.

Allele frequency attached by ClinVar (database versions not stated): gnomAD exomes below 0.00001.
gnomAD v4.1: 1 of 1,612,780 alleles (0.000062%); highest among the groups gnomAD compares: Non-Finnish European, 0.000085%; no homozygotes.

Submissions (3):

Labcorp Genetics (formerly Invitae), Labcorp
Classification: Likely benign. Last evaluated: 2023-02-08. Review status: criteria provided, single submitter. Criteria: Invitae Variant Classification Sherloc (09022015). Collection method: clinical testing. Allele origin: germline.

Clinical Genomics, Uppaluri K&H Personalized Medicine Clinic
Classification: Uncertain significance for Maturity-onset diabetes of the young. Review status: criteria provided, single submitter. Criteria: K&H Uppaluri Personalized Medicine Clinic Variant Classification & Assertion Criteria. Collection method: research. Allele origin: somatic. Inheritance: Autosomal dominant inheritance.
Comment: Mutations in KCNJ11 gene can cause decreased production and secretion of insulin. This can lead to MODY which is responsive to oral sulfonylureas. It is also associated with Neonatal Diabetes. However, no sufficient evidence is found to ascertain the role of rs1953583830 variant in Diabetes Mellitus yet.

Natera, Inc.
Classification: Uncertain significance for Permanent neonatal diabetes mellitus. Last evaluated: 2020-08-13. Review status: no assertion criteria provided. Collection method: clinical testing. Allele origin: germline. Not counted in ClinVar's aggregate classification.

Literature cited by the submitters: PubMed 26448950 (cited by Clinical Genomics, Uppaluri K&H Personalized Medicine Clinic); PubMed 15580558 (cited by Clinical Genomics, Uppaluri K&H Personalized Medicine Clinic); PubMed 15718250 (cited by Clinical Genomics, Uppaluri K&H Personalized Medicine Clinic).

NM_000525.4(KCNJ11):c.558T>C (p.His186=)

Gene: KCNJ11 (potassium inwardly rectifying channel subfamily J member 11; minus strand). Cytogenetic location: 11p15.1.
Variant type: single nucleotide variant.
Coding change: c.558T>C on transcript NM_000525.4 (MANE Select); coding-DNA position 558, T replaced by C.
Protein change: p.His186=; no amino-acid change (histidine 186 retained).
Molecular consequence: synonymous variant.
Genome position (GRCh38, 1-based): chr11:17,387,534, A>G on the plus strand (T>C on the coding strand, the complement: KCNJ11 is on the minus strand). VCF-style: chr11-17387534-A-G. GRCh37 (hg19) VCF-style: chr11-17409081-A-G.
Other names: c.297T>C, p.His99= (NM_001166290.2, NM_001377296.1, NM_001377297.1).
Identifiers: ClinVar variation 992030 (VCV000992030.9), dbSNP rs1953583830, ClinGen allele CA473515471.
Genomic context (GRCh38, chr11:17,387,534, plus strand): 5'-GCGGAGGTCACCCACACGTAGCATGAAGCAGAGGCGGCCGTGGCGCAGGGCGATCACCGC[A>G]TGCTTGCTGAAGATGAGGGTCTCAGCCCTGCGGTGGGCTTGGGCAGTCTTCATGAAGATG-3'
Protein context (NP_000516.3, residues 176-196): RRAETLIFSK[His186=]AVIALRHGRL